The following is an entry in ClinVar:

NM_002894.3(RBBP8):c.2576C>G (p.Thr859Ser)

Gene: RBBP8 (RB binding protein 8, endonuclease; plus strand). Cytogenetic location: 18q11.2.
Variant type: single nucleotide variant.
Coding change: c.2576C>G on transcript NM_002894.3 (MANE Select); coding-DNA position 2576, C replaced by G.
Protein change: p.Thr859Ser; replaces threonine 859 with serine.
Molecular consequence: missense variant.
Genome position (GRCh38, 1-based): chr18:23,022,250, C>G. VCF-style: chr18-23022250-C-G. GRCh37 (hg19) VCF-style: chr18-20602213-C-G.
Other names: c.2576C>G, p.Thr859Ser (NM_203291.2); c.2479C>G, p.Leu827Val (NM_203292.2); short protein forms T859S, L827V.
Identifiers: ClinVar variation 1939449 (VCV001939449.5), dbSNP rs745514276, ClinGen allele CA401803695.

ClinVar aggregate classification (germline): Uncertain significance (1 of 4 stars; one submission).

Allele frequency attached by ClinVar (database versions not stated): gnomAD 0.00001.
gnomAD v4.1: 1 of 1,611,376 alleles (0.000062%); highest among the groups gnomAD compares: African/African-American, 0.0013%; no homozygotes.

Submission:

Labcorp Genetics (formerly Invitae), Labcorp
Classification: Uncertain significance. Last evaluated: 2023-12-11. Review status: criteria provided, single submitter. Criteria: Invitae Variant Classification Sherloc (09022015). Collection method: clinical testing. Allele origin: germline.
Comment: This sequence change replaces threonine, which is neutral and polar, with serine, which is neutral and polar, at codon 859 of the RBBP8 protein (p.Thr859Ser). This variant is present in population databases (no rsID available, gnomAD no frequency). This variant has not been reported in the literature in individuals affected with RBBP8-related conditions. ClinVar contains an entry for this variant (Variation ID: 1939449). Advanced modeling of protein sequence and biophysical properties (such as structural, functional, and spatial information, amino acid conservation, physicochemical variation, residue mobility, and thermodynamic stability) performed at Invitae indicates that this missense variant is expected to disrupt RBBP8 protein function with a positive predictive value of 80%. In summary, the available evidence is currently insufficient to determine the role of this variant in disease. Therefore, it has been classified as a Variant of Uncertain Significance.